The following is an entry in ClinVar:

NM_033004.4(NLRP1):c.3229G>A (p.Asp1077Asn)

Gene: NLRP1 (NLR family pyrin domain containing 1; minus strand). Cytogenetic location: 17p13.2.
Variant type: single nucleotide variant.
Coding change: c.3229G>A on transcript NM_033004.4 (MANE Select); coding-DNA position 3229, G replaced by A.
Protein change: p.Asp1077Asn; replaces aspartic acid 1077 with asparagine.
Molecular consequence: missense variant.
Genome position (GRCh38, 1-based): chr17:5,532,889, C>T on the plus strand (G>A on the coding strand, the complement: NLRP1 is on the minus strand). VCF-style: chr17-5532889-C-T. GRCh37 (hg19) VCF-style: chr17-5436209-C-T.
Other names: c.3241G>A, p.Asp1081Asn (NM_001033053.3); c.3229G>A, p.Asp1077Asn (NM_014922.5); c.3139G>A, p.Asp1047Asn (NM_033006.4, NM_033007.4); short protein forms D1047N, D1081N, D1077N.
Identifiers: ClinVar variation 2187836 (VCV002187836.5), dbSNP rs754009366, ClinGen allele CA8326893.

ClinVar aggregate classification (germline): Uncertain significance. Review status: criteria provided, multiple submitters, no conflicts (2 of 4 stars). 2 submissions from 2 submitters: Uncertain significance (2). Last evaluated 2024-01-22.

Conditions:
Inborn genetic diseases. Identifiers: MedGen C0950123, MeSH D030342.

Allele frequency attached by ClinVar (database versions not stated): ExAC 0.00001; gnomAD 0.00001; gnomAD exomes 0.00001; TOPMed 0.00002.
gnomAD v4.1: 13 of 1,613,678 alleles (0.00081%); highest among the groups gnomAD compares: African/African-American, 0.0027%; no homozygotes.

Submissions (2):

Ambry Genetics
Classification: Uncertain significance for Inborn genetic diseases. Last evaluated: 2024-01-22. Review status: criteria provided, single submitter. Criteria: Ambry Variant Classification Scheme 2023. Collection method: clinical testing. Allele origin: germline.

Labcorp Genetics (formerly Invitae), Labcorp
Classification: Uncertain significance. Last evaluated: 2022-10-05. Review status: criteria provided, single submitter. Criteria: Invitae Variant Classification Sherloc (09022015). Collection method: clinical testing. Allele origin: germline.
Comment: This variant is present in population databases (rs754009366, gnomAD 0.007%). This variant has not been reported in the literature in individuals affected with NLRP1-related conditions. This sequence change replaces aspartic acid, which is acidic and polar, with asparagine, which is neutral and polar, at codon 1077 of the NLRP1 protein (p.Asp1077Asn). Algorithms developed to predict the effect of missense changes on protein structure and function output the following: SIFT: "Tolerated"; PolyPhen-2: "Possibly Damaging"; Align-GVGD: "Class C0". The asparagine amino acid residue is found in multiple mammalian species, which suggests that this missense change does not adversely affect protein function. In summary, the available evidence is currently insufficient to determine the role of this variant in disease. Therefore, it has been classified as a Variant of Uncertain Significance.